The following is an entry in ClinVar:

ClinVar aggregate classification (germline): Uncertain significance (1 of 4 stars; one submission).

Conditions:
CHARGE syndrome (CHARGE). Also called: Hittner Hirsch Kreh syndrome; CHARGE ASSOCIATION--COLOBOMA, HEART ANOMALY, CHOANAL ATRESIA, RETARDATION, GENITAL AND EAR ANOMALIES; Coloboma, heart anomaly, choanal atresia, retardation, genital and ear anomalies; CHARGE association; Hall-Hittner syndrome. Identifiers: Orphanet 138, MedGen C0265354, MONDO:0008965.

gnomAD v4.1: 3 of 1,609,180 alleles (0.00019%); highest among the groups gnomAD compares: Non-Finnish European, 0.00025%; no homozygotes.

Submission:

Labcorp Genetics (formerly Invitae), Labcorp
Classification: Uncertain significance for CHARGE syndrome. Last evaluated: 2023-06-29. Review status: criteria provided, single submitter. Criteria: Invitae Variant Classification Sherloc (09022015). Collection method: clinical testing. Allele origin: germline.
Comment: Advanced modeling of protein sequence and biophysical properties (such as structural, functional, and spatial information, amino acid conservation, physicochemical variation, residue mobility, and thermodynamic stability) performed at Invitae indicates that this missense variant is not expected to disrupt CHD7 protein function. This variant has not been reported in the literature in individuals affected with CHD7-related conditions. This variant is not present in population databases (gnomAD no frequency). This sequence change replaces glycine, which is neutral and non-polar, with glutamic acid, which is acidic and polar, at codon 2986 of the CHD7 protein (p.Gly2986Glu). In summary, the available evidence is currently insufficient to determine the role of this variant in disease. Therefore, it has been classified as a Variant of Uncertain Significance.

NM_017780.4(CHD7):c.8957G>A (p.Gly2986Glu)

Gene: CHD7 (chromodomain helicase DNA binding protein 7; plus strand). Cytogenetic location: 8q12.2.
Variant type: single nucleotide variant.
Coding change: c.8957G>A on transcript NM_017780.4 (MANE Select); coding-DNA position 8957, G replaced by A.
Protein change: p.Gly2986Glu; replaces glycine 2986 with glutamic acid.
Molecular consequence: missense variant.
Genome position (GRCh38, 1-based): chr8:60,865,896, G>A. VCF-style: chr8-60865896-G-A. GRCh37 (hg19) VCF-style: chr8-61778455-G-A.
Other names: c.2810G>A, p.Gly937Glu (NM_001316690.1); short protein forms G937E, G2986E.
Identifiers: ClinVar variation 2771738 (VCV002771738.3), dbSNP rs374004489, ClinGen allele CA371313475.